The following is an entry in ClinVar:

ClinVar aggregate classification (germline): Benign/Likely benign. Review status: criteria provided, multiple submitters, no conflicts (2 of 4 stars). 2 submissions from 2 submitters: Benign (1); Likely benign (1). Last evaluated 2022-07-01.

Allele frequency attached by ClinVar (database versions not stated): gnomAD exomes 0.00037 and 0.00011; ExAC 0.00048; 1000 Genomes Project 30x 0.00109; 1000 Genomes Project 0.00120; gnomAD 0.00129 and 0.00137; TOPMed 0.00150; ESP Exome Variant Server 0.00223.
gnomAD v4.1: 365 of 1,614,064 alleles (0.023%); highest among the groups gnomAD compares: African/African-American, 0.44%; 1 homozygote.

Submissions (2):

CeGaT Center for Human Genetics Tuebingen
Classification: Likely benign. Last evaluated: 2022-07-01. Review status: criteria provided, single submitter. Criteria: CeGaT Center For Human Genetics Tuebingen Variant Classification Criteria Version 2. Collection method: clinical testing. Allele origin: germline. Affected: yes. Observed: 1 variant allele.
Comment: NRXN3: BP4

Labcorp Genetics (formerly Invitae), Labcorp
Classification: Benign. Last evaluated: 2018-10-17. Review status: criteria provided, single submitter. Criteria: Invitae Variant Classification Sherloc (09022015). Collection method: clinical testing. Allele origin: germline.

NM_001330195.2(NRXN3):c.1203C>T (p.Phe401=)

Gene: NRXN3 (neurexin 3; plus strand). Cytogenetic location: 14q24.3.
Variant type: single nucleotide variant.
Coding change: c.1203C>T on transcript NM_001330195.2 (MANE Select); coding-DNA position 1203, C replaced by T.
Protein change: p.Phe401=; no amino-acid change (phenylalanine 401 retained).
Molecular consequence: synonymous variant. On other transcripts: non-coding transcript variant (4).
Genome position (GRCh38, 1-based): chr14:78,651,308, C>T. VCF-style: chr14-78651308-C-T. GRCh37 (hg19) VCF-style: chr14-79117651-C-T.
Other names: c.1203C>T, p.Phe401= (NM_001366425.1); c.1215C>T, p.Phe405= (NM_001366426.1); c.84C>T, p.Phe28= (NM_004796.6).
Identifiers: ClinVar variation 768667 (VCV000768667.27), dbSNP rs148731188, ClinGen allele CA7291582.